The following is an entry in ClinVar:

ClinVar aggregate classification (germline): Uncertain significance (1 of 4 stars; one submission).

Conditions:
Congenital myasthenic syndrome 5. Identifiers: Orphanet 590, MedGen C1864233, MONDO:0011281, OMIM 603034.

Allele frequency attached by ClinVar (database versions not stated): gnomAD exomes below 0.00001.

Submission:

Labcorp Genetics (formerly Invitae), Labcorp
Classification: Uncertain significance for Congenital myasthenic syndrome 5. Last evaluated: 2021-01-21. Review status: criteria provided, single submitter. Criteria: Invitae Variant Classification Sherloc (09022015). Collection method: clinical testing. Allele origin: germline.
Comment: This variant, c.1324_1326del, results in the deletion of 1 amino acid(s) of the COLQ protein (p.Gln442del), but otherwise preserves the integrity of the reading frame. This variant is not present in population databases (ExAC no frequency). This variant has been observed in individual(s) with congenital myasthenic syndrome (PMID: 18180250). In at least one individual the data is consistent with the variant being in trans (on the opposite chromosome) from a pathogenic variant. This variant is also known as 1324delCAG. Experimental studies and prediction algorithms are not available or were not evaluated, and the functional significance of this variant is currently unknown. In summary, the available evidence is currently insufficient to determine the role of this variant in disease. Therefore, it has been classified as a Variant of Uncertain Significance.

Literature cited by the submitters: PubMed 18180250.

NM_005677.4(COLQ):c.1324_1326del (p.Gln442del)

Gene: COLQ (collagen like tail subunit of asymmetric acetylcholinesterase; minus strand). Cytogenetic location: 3p25.1.
Variant type: Deletion.
Coding change: c.1324_1326del on transcript NM_005677.4 (MANE Select); coding-DNA positions 1324 to 1326, 3 bases deleted (CAG; older notation c.1324_1326delCAG).
Protein change: p.Gln442del; deletes glutamine 442.
Molecular consequence: inframe deletion.
Genome position (GRCh38, 1-based): chr3:15,451,686-15,451,688, CTG deleted on the plus strand (CAG on the coding strand, the reverse complement: COLQ is on the minus strand). VCF-style (leftmost placement, unchanged base first): chr3-15451685-ACTG-A. GRCh37 (hg19) VCF-style: chr3-15493192-ACTG-A.
Other names: c.1294_1296del, p.Gln432del (NM_080538.2); c.1222_1224del, p.Gln408del (NM_080539.4); short protein forms Q432del, Q408del, Q442del.
Identifiers: ClinVar variation 1503336 (VCV001503336.8), dbSNP rs2125077483, ClinGen allele CA2573136188.